The following is an entry in ClinVar:

ClinVar aggregate classification (germline): Benign/Likely benign. Review status: criteria provided, multiple submitters, no conflicts (2 of 4 stars). 3 submissions from 3 submitters: Benign (1); Likely benign (2). Last evaluated 2024-10-22.

Conditions:
Epileptic encephalopathy. Identifiers: MedGen C0543888, HP:0200134.

Allele frequency attached by ClinVar (database versions not stated): ExAC 0.00001; gnomAD exomes 0.00001 and 0.00003; TOPMed 0.00002; gnomAD 0.00003; ESP Exome Variant Server 0.00008.

Submissions (3):

Labcorp Genetics (formerly Invitae), Labcorp
Classification: Benign for Epileptic encephalopathy. Last evaluated: 2024-10-22. Review status: criteria provided, single submitter. Criteria: Invitae Variant Classification Sherloc (09022015). Collection method: clinical testing. Allele origin: germline.

Blueprint Genetics
Classification: Likely benign. Last evaluated: 2024-10-11. Review status: criteria provided, single submitter. Criteria: ACMG Guidelines, 2015. Collection method: clinical testing. Allele origin: germline.

CeGaT Center for Human Genetics Tuebingen
Classification: Likely benign. Last evaluated: 2024-01-01. Review status: criteria provided, single submitter. Criteria: CeGaT Center For Human Genetics Tuebingen Variant Classification Criteria Version 2. Collection method: clinical testing. Allele origin: germline. Affected: yes. Observed: 1 variant allele.
Comment: GABBR2: BP4

NM_005458.8(GABBR2):c.2542+6del

Gene: GABBR2 (gamma-aminobutyric acid type B receptor subunit 2; minus strand). Cytogenetic location: 9q22.33.
Variant type: Deletion.
Coding change: c.2542+6del on transcript NM_005458.8 (MANE Select); 6 bases into the intron after coding-DNA position 2542, one base deleted (A; older notation c.2542+6delA).
Molecular consequence: intron variant.
Genome position (GRCh38, 1-based): chr9:98,299,218, T deleted on the plus strand (A on the coding strand, the reverse complement: GABBR2 is on the minus strand). VCF-style (leftmost placement, unchanged base first): chr9-98299217-CT-C. GRCh37 (hg19) VCF-style: chr9-101061499-CT-C.
Identifiers: ClinVar variation 1168386 (VCV001168386.32), dbSNP rs774664411, ClinGen allele CA5152448.
Genomic context (GRCh38, chr9:98,299,217, plus strand): 5'-TGGAAGATGAACAGCTGGTGTTTGAAACCAAGGTCCCTACCACATTCTGGGGCCCTGGCT[CT>C]CTTACCTGTGCTCTCAGTGAAGTTTCCCAGGTTGAGGATGTCATTGAGCTCTTGGTAGTG-3'